The following is an entry in ClinVar:

ClinVar aggregate classification (germline): Pathogenic (1 of 4 stars; one submission).

Conditions:
Inborn genetic diseases. Identifiers: MedGen C0950123, MeSH D030342.

Submission:

Ambry Genetics
Classification: Pathogenic for Inborn genetic diseases. Last evaluated: 2025-05-21. Review status: criteria provided, single submitter. Criteria: Ambry Variant Classification Scheme 2023. Collection method: clinical testing. Allele origin: germline.
Comment: The c.7459delT (p.S2487Lfs*22) alteration, located in exon 27 (coding exon 27) of the KMT2A gene, consists of a deletion of one nucleotide at position 7459, causing a translational frameshift with a predicted alternate stop codon after 22 amino acids. This alteration is expected to result in loss of function by premature protein truncation or nonsense-mediated mRNA decay. This variant was not reported in population-based cohorts in the Genome Aggregation Database (gnomAD). Based on the available evidence, this alteration is classified as pathogenic.

NM_001197104.2(KMT2A):c.7459del (p.Ser2487fs)

Gene: KMT2A (lysine methyltransferase 2A; plus strand). Cytogenetic location: 11q23.3.
Variant type: Deletion.
Coding change: c.7459del on transcript NM_001197104.2 (MANE Select); coding-DNA position 7459, one base deleted (T; older notation c.7459delT).
Protein change: p.Ser2487fs; shifts the reading frame from serine 2487.
Molecular consequence: frameshift variant.
Genome position (GRCh38, 1-based): chr11:118,503,351, T deleted; the last of 2 consecutive T bases (chr11:118,503,350-118,503,351); deleting either gives the same sequence. VCF-style (leftmost placement, unchanged base first): chr11-118503349-CT-C. GRCh37 (hg19) VCF-style: chr11-118374064-CT-C.
Other names: c.7549del, p.Ser2517fs (NM_001412597.1); c.7450del, p.Ser2484fs (NM_005933.4); short protein forms S2484fs, S2517fs, S2487fs.
Identifiers: ClinVar variation 4044420 (VCV004044420.1).
Genomic context (GRCh38, chr11:118,503,349, plus strand): 5'-AGTTTATGGATGAGGTTTTGACTCCTGAGTATATGGGCCAACGACCATGTAACAATGTTT[CT>C]TCTGATAAGATTGGTGATAAAGGCCTTTCTATGCCAGGAGTCCCCAAAGCTCCACCCATG-3'